The following is an entry in ClinVar:

ClinVar aggregate classification (germline): Uncertain significance. Review status: criteria provided, multiple submitters, no conflicts (2 of 4 stars). 2 submissions from 2 submitters: Uncertain significance (2). Last evaluated 2022-05-25.

Conditions:
Fanconi anemia (FA). Also called: Fanconi's anemia. Identifiers: Orphanet 84, MedGen C0015625, MeSH D005199, MONDO:0019391.
Fanconi anemia complementation group L (FANCL). Also called: FANCL-Related Fanconi Anemia. Identifiers: Orphanet 84, MedGen C3469528, MONDO:0013566, OMIM 614083.

Allele frequency attached by ClinVar (database versions not stated): gnomAD exomes 0.00001 and 0.00002; ExAC 0.00002.
gnomAD v4.1: 34 of 1,612,312 alleles (0.0021%); highest among the groups gnomAD compares: Non-Finnish European, 0.0028%; no homozygotes.

Submissions (2):

Labcorp Genetics (formerly Invitae), Labcorp
Classification: Uncertain significance for Fanconi anemia. Last evaluated: 2022-05-25. Review status: criteria provided, single submitter. Criteria: Invitae Variant Classification Sherloc (09022015). Collection method: clinical testing. Allele origin: germline.
Comment: In summary, the available evidence is currently insufficient to determine the role of this variant in disease. Therefore, it has been classified as a Variant of Uncertain Significance. Algorithms developed to predict the effect of missense changes on protein structure and function output the following: SIFT: "Tolerated"; PolyPhen-2: "Benign"; Align-GVGD: "Class C0". The valine amino acid residue is found in multiple mammalian species, which suggests that this missense change does not adversely affect protein function. ClinVar contains an entry for this variant (Variation ID: 574187). This variant has not been reported in the literature in individuals affected with FANCL-related conditions. This variant is present in population databases (rs756695293, gnomAD 0.003%). This sequence change replaces alanine, which is neutral and non-polar, with valine, which is neutral and non-polar, at codon 294 of the FANCL protein (p.Ala294Val).

Fulgent Genetics
Classification: Uncertain significance for Fanconi anemia complementation group L. Last evaluated: 2022-05-08. Review status: criteria provided, single submitter. Criteria: ACMG Guidelines, 2015. Collection method: clinical testing. Allele origin: unknown.

NM_018062.4(FANCL):c.881C>T (p.Ala294Val)

Gene: FANCL (FA complementation group L; minus strand). Cytogenetic location: 2p16.1.
Variant type: single nucleotide variant.
Coding change: c.881C>T on transcript NM_018062.4 (MANE Select); coding-DNA position 881, C replaced by T.
Protein change: p.Ala294Val; replaces alanine 294 with valine.
Molecular consequence: missense variant.
Genome position (GRCh38, 1-based): chr2:58,162,888, G>A on the plus strand (C>T on the coding strand, the complement: FANCL is on the minus strand). VCF-style: chr2-58162888-G-A. GRCh37 (hg19) VCF-style: chr2-58390023-G-A.
Other names: c.896C>T, p.Ala299Val (NM_001114636.2); c.926C>T, p.Ala309Val (NM_001374615.1); c.941C>T, p.Ala314Val (NM_001410792.1); short protein forms A294V, A299V, A309V, A314V.
Identifiers: ClinVar variation 574187 (VCV000574187.10), dbSNP rs756695293, ClinGen allele CA1670410.
Genomic context (GRCh38, chr2:58,162,888, plus strand): 5'-AATACTGTCTGGAATATCAAAACACTGATAAAACTTACAGATTTTTCCAGGATAGCACGA[G>A]CTGGAAAATCAATTTCTAAAACATCTTTCAAATTTTGTAACACACTATTTTCTGGATCCC-3'
Protein context (NP_060532.2, residues 284-304): LKDVLEIDFP[Ala294Val]RAILEKSDFT